The following is an entry in ClinVar:

NM_001080.3(ALDH5A1):c.462T>G (p.His154Gln)

Gene: ALDH5A1 (aldehyde dehydrogenase 5 family member A1; plus strand). Cytogenetic location: 6p22.3.
Variant type: single nucleotide variant.
Coding change: c.462T>G on transcript NM_001080.3 (MANE Select); coding-DNA position 462, T replaced by G.
Protein change: p.His154Gln; replaces histidine 154 with glutamine.
Molecular consequence: missense variant.
Genome position (GRCh38, 1-based): chr6:24,503,286, T>G. VCF-style: chr6-24503286-T-G. GRCh37 (hg19) VCF-style: chr6-24503514-T-G.
Other names: c.462T>G, p.His154Gln (NM_001368954.1, NM_170740.1); short protein forms H154Q.
Identifiers: ClinVar variation 4084138 (VCV004084138.8).

ClinVar aggregate classification (germline): Uncertain significance (1 of 4 stars; one submission).

gnomAD v4.1: 1 of 1,614,074 alleles (0.000062%); highest among the groups gnomAD compares: Non-Finnish European, 0.000085%; no homozygotes.

Submission:

CeGaT Center for Human Genetics Tuebingen
Classification: Uncertain significance. Last evaluated: 2025-08-01. Review status: criteria provided, single submitter. Criteria: CeGaT Center For Human Genetics Tuebingen Variant Classification Criteria Version 2. Collection method: clinical testing. Allele origin: germline. Affected: yes. Observed: 1 variant allele.
Comment: ALDH5A1: PM2, BP4